The following is an entry in ClinVar:

NM_001197104.2(KMT2A):c.6873G>T (p.Met2291Ile)

Gene: KMT2A (lysine methyltransferase 2A; plus strand). Cytogenetic location: 11q23.3.
Variant type: single nucleotide variant.
Coding change: c.6873G>T on transcript NM_001197104.2 (MANE Select); coding-DNA position 6873, G replaced by T.
Protein change: p.Met2291Ile; replaces methionine 2291 with isoleucine.
Molecular consequence: missense variant.
Genome position (GRCh38, 1-based): chr11:118,502,765, G>T. VCF-style: chr11-118502765-G-T. GRCh37 (hg19) VCF-style: chr11-118373480-G-T.
Other names: c.6963G>T, p.Met2321Ile (NM_001412597.1); c.6864G>T, p.Met2288Ile (NM_005933.4); short protein forms M2288I, M2291I, M2321I.
Identifiers: ClinVar variation 4800551 (VCV004800551.1).

ClinVar aggregate classification (germline): Uncertain significance (1 of 4 stars; one submission).

gnomAD v4.1: 1 of 1,614,144 alleles (0.000062%); highest among the groups gnomAD compares: East Asian, 0.0022%; no homozygotes.

Submission:

Labcorp Genetics (formerly Invitae), Labcorp
Classification: Uncertain significance. Last evaluated: 2025-02-06. Review status: criteria provided, single submitter. Criteria: Invitae Variant Classification Sherloc (09022015). Collection method: clinical testing. Allele origin: germline.
Comment: This sequence change replaces methionine, which is neutral and non-polar, with isoleucine, which is neutral and non-polar, at codon 2291 of the KMT2A protein (p.Met2291Ile). This variant is not present in population databases (gnomAD no frequency). This variant has not been reported in the literature in individuals affected with KMT2A-related conditions. Invitae Evidence Modeling of protein sequence and biophysical properties (such as structural, functional, and spatial information, amino acid conservation, physicochemical variation, residue mobility, and thermodynamic stability) indicates that this missense variant is not expected to disrupt KMT2A protein function with a negative predictive value of 95%. In summary, the available evidence is currently insufficient to determine the role of this variant in disease. Therefore, it has been classified as a Variant of Uncertain Significance.